The following is an entry in ClinVar:

NC_000021.8:g.(?_47517033)_(47553763_?)dup

Gene: COL6A2 (collagen type VI alpha 2 chain; plus strand). Cytogenetic location: 21q22.3.
Variant type: Duplication.
Identifiers: ClinVar variation 1410509 (VCV001410509.1).

ClinVar aggregate classification (germline): Uncertain significance (1 of 4 stars; one submission).

Conditions:
Bethlem myopathy 1A. Also called: Bethlem myopathy 1; Bethlem Muscular Dystrophy; MYOPATHY, BENIGN CONGENITAL, WITH CONTRACTURES. Identifiers: Orphanet 610, MedGen CN029274, MONDO:0024530, OMIM 158810.

Submission:

Labcorp Genetics (formerly Invitae), Labcorp
Classification: Uncertain significance for Bethlem myopathy 1A. Last evaluated: 2020-11-09. Review status: criteria provided, single submitter. Criteria: Invitae Variant Classification Sherloc (09022015). Collection method: clinical testing. Allele origin: germline.
Comment: A copy number gain of the genomic region encompassing the full coding sequence of the COL6A2 gene has been identified. The boundaries of this event are unknown as they extend beyond the assayed region for this gene and therefore may encompass additional genes. As the precise location of this event is unknown, it may be in tandem or it may be located elsewhere in the genome. This variant has not been reported in the literature in individuals with COL6A2-related conditions. Experimental studies and prediction algorithms are not available or were not evaluated, and the functional significance of this variant is currently unknown. In summary, the available evidence is currently insufficient to determine the role of this variant in disease. Therefore, it has been classified as a Variant of Uncertain Significance.